The following is an entry in ClinVar:

ClinVar aggregate classification (germline): not provided. Review status: no classification provided (0 of 4 stars). 2 submissions from 1 submitter: not provided (2).

Conditions:
Normal pregnancy. Identifiers: MedGen C0232989.
Gestational diabetes mellitus uncontrolled. Identifiers: MedGen C3532257.

Submissions (2):

Institute of Molecular and Cell Biology, University of Tartu
No classification provided. Condition: Normal pregnancy. Review status: no classification provided. Collection method: case-control. Allele origin: unknown. Affected: yes. Study: Kasak2014.
Comment: The study aimed to determine the contribution of copy number variants in the genetic etiology of normal and complicated pregnancies. The samples represented (i) maternal blood DNA drawn from healthy pregnant women during 1st or 2nd trimester and (ii) maternal and paternal blood DNA drawn at term pregnancy cases representing normal and complicated gestations (severe preeclampsia, PE; gestational diabetes, GD; small-for-gestational age newborn, SGA; large-for-gestational age newborn, LGA). We performed CNV calling based on genome-wide genotyping dataset (Illumina HumanOmniExpress-24-v1 BeadChip) by applying three algorithms, QuantiSNP, GADA (Genome Alteration Detection Algorithm) and CNstream in parallel. The acquired CNV calls were merged with HD-CNV (Hotspot Detector for Copy Number Variants) program and only the CNVs predicted by at least two programs, were considered in subsequent analysis.

Institute of Molecular and Cell Biology, University of Tartu
No classification provided. Condition: Gestational diabetes mellitus uncontrolled. Review status: no classification provided. Collection method: case-control. Allele origin: unknown. Affected: yes. Study: Kasak2014.
Comment: the same text as in the submission from Institute of Molecular and Cell Biology, University of Tartu above.

Literature cited by the submitters: PubMed 25666259.

NM_001363059.2(MTUS1):c.2288-358_2449+390del

Gene: MTUS1 (microtubule associated scaffold protein 1; minus strand). Cytogenetic location: 8p22.
Variant type: Deletion.
Coding change: c.2288-358_2449+390del on transcript NM_001363059.2 (MANE Select); 358 bases into the intron before coding-DNA position 2288 through 390 bases into the intron after coding-DNA position 2449, 910 bases deleted.
Molecular consequence: splice acceptor variant, splice donor variant. On other transcripts: intron variant (3).
Genome position (GRCh38, 1-based): chr8:17,723,282-17,724,191, 910 bases deleted. GRCh37 (hg19): chr8:17,580,791-17,581,700.
Other names: c.2288-358_2449+390del (NM_001363061.2, NM_001363057.2, NM_001363058.2 and 1 more transcripts); c.2288-8290_2288-7381del (NM_001363060.2, NM_001363062.2, NM_001001925.3).
Identifiers: ClinVar variation 157107 (VCV000157107.2), dbSNP rs1554507029, ClinGen allele CA212223.